The following is an entry in ClinVar:

ClinVar aggregate classification (germline): Uncertain significance (1 of 4 stars; one submission).

Conditions:
Bardet-Biedl syndrome (BBS). Identifiers: Orphanet 110, MedGen C0752166, MONDO:0015229.

Allele frequency attached by ClinVar (database versions not stated): gnomAD exomes 0.00001.
gnomAD v4.1: 19 of 1,614,192 alleles (0.0012%); highest among the groups gnomAD compares: Non-Finnish European, 0.0016%; no homozygotes.

Submission:

Labcorp Genetics (formerly Invitae), Labcorp
Classification: Uncertain significance for Bardet-Biedl syndrome. Last evaluated: 2022-03-31. Review status: criteria provided, single submitter. Criteria: Invitae Variant Classification Sherloc (09022015). Collection method: clinical testing. Allele origin: germline.
Comment: In summary, the available evidence is currently insufficient to determine the role of this variant in disease. Therefore, it has been classified as a Variant of Uncertain Significance. Algorithms developed to predict the effect of missense changes on protein structure and function (SIFT, PolyPhen-2, Align-GVGD) all suggest that this variant is likely to be disruptive. This variant has not been reported in the literature in individuals affected with TRIM32-related conditions. This variant is not present in population databases (gnomAD no frequency). This sequence change replaces lysine, which is basic and polar, with threonine, which is neutral and polar, at codon 50 of the TRIM32 protein (p.Lys50Thr).

NM_012210.4(TRIM32):c.149A>C (p.Lys50Thr)

Genes: ASTN2 (astrotactin 2; minus strand), TRIM32 (tripartite motif containing 32; plus strand). Cytogenetic location: 9q33.1.
Variant type: single nucleotide variant.
Coding change: c.149A>C on transcript NM_012210.4 (MANE Select); coding-DNA position 149, A replaced by C.
Protein change: p.Lys50Thr; replaces lysine 50 with threonine.
Molecular consequence: missense variant. On other transcripts: intron variant (3).
Genome position (GRCh38, 1-based): chr9:116,697,891, A>C. VCF-style: chr9-116697891-A-C. GRCh37 (hg19) VCF-style: chr9-119460170-A-C.
Other names: c.149A>C, p.Lys50Thr (NM_001099679.2, NM_001379048.1, NM_001379049.1 and 1 more transcripts); c.2653+27880T>G (NM_014010.5); c.2794+27880T>G (NM_001365069.1); c.2806+27880T>G (NM_001365068.1); short protein forms K50T.
Identifiers: ClinVar variation 2155937 (VCV002155937.4), dbSNP rs2491057092, ClinGen allele CA374647663.